The following is an entry in ClinVar:

ClinVar aggregate classification (germline): Likely benign. Review status: criteria provided, single submitter (1 of 4 stars). 2 submissions from 2 submitters: Likely benign (1). 1 of the submissions does not count toward it. Last evaluated 2024-12-23.

Conditions:
KATNIP-related disorder. Also called: KATNIP-related condition.

Allele frequency attached by ClinVar (database versions not stated): gnomAD exomes below 0.00001; ExAC 0.00002; TOPMed 0.00002.
gnomAD v4.1: 6 of 1,613,314 alleles (0.00037%); highest among the groups gnomAD compares: Non-Finnish European, 0.00051%; no homozygotes.

Submissions (2):

Labcorp Genetics (formerly Invitae), Labcorp
Classification: Likely benign. Last evaluated: 2024-12-23. Review status: criteria provided, single submitter. Criteria: Invitae Variant Classification Sherloc (09022015). Collection method: clinical testing. Allele origin: germline.

PreventionGenetics, part of Exact Sciences
Classification: Likely benign for KATNIP-related condition. Last evaluated: 2022-04-30. Review status: no assertion criteria provided. Collection method: clinical testing. Allele origin: germline. Not counted in ClinVar's aggregate classification.
Comment: This variant is classified as likely benign based on ACMG/AMP sequence variant interpretation guidelines (Richards et al. 2015 PMID: 25741868, with internal and published modifications).

NM_015202.5(KATNIP):c.4407T>C (p.Ser1469=)

Gene: KATNIP (katanin interacting protein; plus strand). Cytogenetic location: 16p12.1.
Variant type: single nucleotide variant.
Coding change: c.4407T>C on transcript NM_015202.5 (MANE Select); coding-DNA position 4407, T replaced by C.
Protein change: p.Ser1469=; no amino-acid change (serine 1469 retained).
Molecular consequence: synonymous variant.
Genome position (GRCh38, 1-based): chr16:27,775,042, T>C. VCF-style: chr16-27775042-T-C. GRCh37 (hg19) VCF-style: chr16-27786363-T-C.
Identifiers: ClinVar variation 3052942 (VCV003052942.4), dbSNP rs776049038, ClinGen allele CA7978616.